The following is an entry in ClinVar:

NM_199420.4(POLQ):c.7559G>A (p.Arg2520Lys)

Gene: POLQ (DNA polymerase theta; minus strand). Cytogenetic location: 3q13.33.
Variant type: single nucleotide variant.
Coding change: c.7559G>A on transcript NM_199420.4 (MANE Select); coding-DNA position 7559, G replaced by A.
Protein change: p.Arg2520Lys; replaces arginine 2520 with lysine.
Molecular consequence: missense variant.
Genome position (GRCh38, 1-based): chr3:121,433,018, C>T on the plus strand (G>A on the coding strand, the complement: POLQ is on the minus strand). VCF-style: chr3-121433018-C-T. GRCh37 (hg19) VCF-style: chr3-121151865-C-T.
Other names: short protein forms R2520K.
Identifiers: ClinVar variation 1759502 (VCV001759502.2), dbSNP rs1318479193, ClinGen allele CA354094022.
Genomic context (GRCh38, chr3:121,433,018, plus strand): 5'-TCATGGAGTTGAAGGATGAAGAAGCCTCCTCTGATTGGGCAGAACATCCCTTGCAGTTTT[C>T]TCTTTCGTGACAATCCTACTTCATGAAAAAGGAGCAAAACTGATCAGCATGTCGCTAAGT-3'
Protein context (NP_955452.3, residues 2510-2530): QSDQTGLSRK[Arg2520Lys]KLQGMFCPIR

ClinVar aggregate classification (germline): Uncertain significance (1 of 4 stars; one submission).

Allele frequency attached by ClinVar (database versions not stated): gnomAD 0.00001; TOPMed 0.00001.
gnomAD v4.1: 2 of 1,606,178 alleles (0.00012%); highest among the groups gnomAD compares: Non-Finnish European, 0.00017%; no homozygotes.

Submission:

Ambry Genetics
Classification: Uncertain significance. Last evaluated: 2021-10-30. Review status: criteria provided, single submitter. Criteria: Ambry Variant Classification Scheme 2023. Collection method: clinical testing. Allele origin: germline.
Comment: The p.R2520K variant (also known as c.7559G>A), located in coding exon 29 of the POLQ gene, results from a G to A substitution at nucleotide position 7559. The arginine at codon 2520 is replaced by lysine, an amino acid with highly similar properties. This amino acid position is conserved. In addition, this alteration is predicted to be tolerated by in silico analysis. Since supporting evidence is limited at this time, the clinical significance of this alteration remains unclear.